The following is an entry in ClinVar:

NM_025137.4(SPG11):c.3005A>C (p.Gln1002Pro)

Gene: SPG11 (SPG11 vesicle trafficking associated, spatacsin; minus strand). Cytogenetic location: 15q21.1.
Variant type: single nucleotide variant.
Coding change: c.3005A>C on transcript NM_025137.4 (MANE Select); coding-DNA position 3005, A replaced by C.
Protein change: p.Gln1002Pro; replaces glutamine 1002 with proline.
Molecular consequence: missense variant.
Genome position (GRCh38, 1-based): chr15:44,615,396, T>G on the plus strand (A>C on the coding strand, the complement: SPG11 is on the minus strand). VCF-style: chr15-44615396-T-G. GRCh37 (hg19) VCF-style: chr15-44907594-T-G.
Other names: c.3005A>C, p.Gln1002Pro (NM_001160227.2); short protein forms Q1002P.
Identifiers: ClinVar variation 1506180 (VCV001506180.6), dbSNP rs2141014746, ClinGen allele CA392229153.
Genomic context (GRCh38, chr15:44,615,396, plus strand): 5'-AAGGACAAATGCATTCTCAGTACTCACTTGTAACAGTCAAGGTAGACATAAAGAAGATGC[T>G]GCAGACTGTGCTCCAAACAATAGAGAATGAATTGAGAATGGAAATCCCAACCTTCTTTGG-3'
Protein context (NP_079413.3, residues 992-1012): FILYCLEHSL[Gln1002Pro]HLLYVYLDCY

ClinVar aggregate classification (germline): Uncertain significance (1 of 4 stars; one submission).

Conditions:
Hereditary spastic paraplegia 11. Also called: SPASTIC PARAPLEGIA, AUTOSOMAL RECESSIVE, COMPLICATED, WITH THIN CORPUS CALLOSUM; SPASTIC PARAPLEGIA, AUTOSOMAL RECESSIVE, WITH MENTAL IMPAIRMENT AND THIN CORPUS CALLOSUM; Spastic paraplegia, mental retardation and thin corpus callosum; Nakamura Osame syndrome; Autosomal recessive hereditary spastic paraplegia, mental impairment, and thin corpus callosum; Spastic Paraplegia 11. Identifiers: Orphanet 2822, MedGen C1858479, MONDO:0011445, OMIM 604360.

Submission:

Labcorp Genetics (formerly Invitae), Labcorp
Classification: Uncertain significance for Hereditary spastic paraplegia 11. Last evaluated: 2021-11-25. Review status: criteria provided, single submitter. Criteria: Invitae Variant Classification Sherloc (09022015). Collection method: clinical testing. Allele origin: germline.
Comment: This sequence change replaces glutamine, which is neutral and polar, with proline, which is neutral and non-polar, at codon 1002 of the SPG11 protein (p.Gln1002Pro). This variant is not present in population databases (gnomAD no frequency). This variant has not been reported in the literature in individuals affected with SPG11-related conditions. Algorithms developed to predict the effect of missense changes on protein structure and function are either unavailable or do not agree on the potential impact of this missense change (SIFT: "Tolerated"; PolyPhen-2: "Possibly Damaging"; Align-GVGD: "Class C0"). In summary, the available evidence is currently insufficient to determine the role of this variant in disease. Therefore, it has been classified as a Variant of Uncertain Significance.